The following is an entry in ClinVar:

ClinVar aggregate classification (germline): Likely pathogenic (1 of 4 stars; one submission).

Submission:

Labcorp Genetics (formerly Invitae), Labcorp
Classification: Likely pathogenic. Last evaluated: 2024-02-15. Review status: criteria provided, single submitter. Criteria: Invitae Variant Classification Sherloc (09022015). Collection method: clinical testing. Allele origin: germline.
Comment: This sequence change replaces lysine, which is basic and polar, with methionine, which is neutral and non-polar, at codon 161 of the EDNRB protein (p.Lys161Met). This variant is not present in population databases (gnomAD no frequency). This missense change has been observed in individual(s) with clinical features of Waardenburg syndrome (Invitae). In at least one individual the variant was observed to be de novo. An algorithm developed to predict the effect of missense changes on protein structure and function (PolyPhen-2) suggests that this variant is likely to be disruptive. In summary, the currently available evidence indicates that the variant is pathogenic, but additional data are needed to prove that conclusively. Therefore, this variant has been classified as Likely Pathogenic.

NM_001122659.3(EDNRB):c.482A>T (p.Lys161Met)

Gene: EDNRB (endothelin receptor type B; minus strand). Cytogenetic location: 13q22.3.
Variant type: single nucleotide variant.
Coding change: c.482A>T on transcript NM_001122659.3 (MANE Select); coding-DNA position 482, A replaced by T.
Protein change: p.Lys161Met; replaces lysine 161 with methionine.
Molecular consequence: missense variant.
Genome position (GRCh38, 1-based): chr13:77,918,092, T>A on the plus strand (A>T on the coding strand, the complement: EDNRB is on the minus strand). VCF-style: chr13-77918092-T-A. GRCh37 (hg19) VCF-style: chr13-78492227-T-A.
Other names: c.482A>T, p.Lys161Met (NM_000115.5, NM_003991.4); c.752A>T, p.Lys251Met (NM_001201397.2); short protein forms K251M, K161M.
Identifiers: ClinVar variation 2706961 (VCV002706961.3), dbSNP rs2137639179, ClinGen allele CA388452238.